The following is an entry in ClinVar:

NM_001048174.2(MUTYH):c.1294T>G (p.Leu432Val)

Gene: MUTYH (mutY DNA glycosylase; minus strand). Cytogenetic location: 1p34.1.
Variant type: single nucleotide variant.
Coding change: c.1294T>G on transcript NM_001048174.2 (MANE Select); coding-DNA position 1294, T replaced by G.
Protein change: p.Leu432Val; replaces leucine 432 with valine.
Molecular consequence: missense variant. On other transcripts: non-coding transcript variant (7).
Genome position (GRCh38, 1-based): chr1:45,331,280, A>C on the plus strand (T>G on the coding strand, the complement: MUTYH is on the minus strand). VCF-style: chr1-45331280-A-C. GRCh37 (hg19) VCF-style: chr1-45796952-A-C.
Other names: c.1294T>G, p.Leu432Val (NM_001048171.2, NM_001048173.2, NM_001293195.2 and 6 more transcripts); c.1297T>G, p.Leu433Val (NM_001048172.2, NM_001407071.1, NM_001407086.1 and 1 more transcripts); c.1378T>G, p.Leu460Val (NM_001128425.2); c.1339T>G, p.Leu447Val (NM_001293190.2); c.1327T>G, p.Leu443Val (NM_001293191.2, NM_001407069.1, NM_001407077.1); c.1018T>G, p.Leu340Val (NM_001293192.2, NM_001293196.2, NM_001407091.1); c.949T>G, p.Leu317Val (NM_001350650.2, NM_001350651.2, NM_001407082.1); c.1315T>G, p.Leu439Val (NM_001407087.1); and 5 more; short protein forms L317V, L460V, L446V, L447V, L404V, L419V, L432V, L433V.
Identifiers: ClinVar variation 4113199 (VCV004113199.1).

ClinVar aggregate classification (germline): Uncertain significance (1 of 4 stars; one submission).

Conditions:
Hereditary cancer-predisposing syndrome. Also called: Tumor predisposition; Neoplastic Syndromes, Hereditary; Hereditary neoplastic syndrome; Hereditary Cancer Syndrome. Identifiers: Orphanet 140162, MedGen C0027672, MeSH D009386, MONDO:0015356.

Submission:

Ambry Genetics
Classification: Uncertain significance for Hereditary cancer-predisposing syndrome. Last evaluated: 2025-08-27. Review status: criteria provided, single submitter. Criteria: Ambry Variant Classification Scheme 2023. Collection method: clinical testing. Allele origin: germline.
Comment: The p.L460V variant (also known as c.1378T>G), located in coding exon 14 of the MUTYH gene, results from a T to G substitution at nucleotide position 1378. The leucine at codon 460 is replaced by valine, an amino acid with highly similar properties. This amino acid position is conserved. In addition, the in silico prediction for this alteration is inconclusive. Based on the available evidence, the clinical significance of this variant remains unclear.